The following is an entry in ClinVar:

NM_001319074.4(RAX2):c.-105G>A

Gene: RAX2 (retina and anterior neural fold homeobox 2; minus strand). Cytogenetic location: 19p13.3.
Variant type: single nucleotide variant.
Coding change: c.-105G>A on transcript NM_001319074.4 (MANE Select); 105 bases upstream of the start codon, G replaced by A.
Molecular consequence: 5 prime UTR variant. On other transcripts: intron variant (1).
Genome position (GRCh38, 1-based): chr19:3,771,847, C>T on the plus strand (G>A on the coding strand, the complement: RAX2 is on the minus strand). VCF-style: chr19-3771847-C-T. GRCh37 (hg19) VCF-style: chr19-3771845-C-T.
Other names: c.-9-96G>A (NM_032753.4).
Identifiers: ClinVar variation 4987515 (VCV004987515.1).

ClinVar aggregate classification (germline): Uncertain significance (1 of 4 stars; one submission).

Conditions:
RAX2-related disorder. Also called: RAX2-related disorders; RAX2-related condition.

Submission:

PreventionGenetics, part of Exact Sciences
Classification: Uncertain significance for RAX2-related condition. Last evaluated: 2026-03-05. Review status: criteria provided, single submitter. Criteria: ACMG Guidelines, 2015. Collection method: clinical testing. Allele origin: germline.
Comment: The RAX2 c.34G>A variant is predicted to result in the amino acid substitution p.Gly12Arg. To our knowledge, this variant has not been reported in the literature. This variant is reported in 0.016% of alleles in individuals of African descent in gnomAD. At this time, the clinical significance of this variant is uncertain due to the absence of conclusive functional and genetic evidence.